The following is an entry in ClinVar:

ClinVar aggregate classification (germline): Uncertain significance (1 of 4 stars; one submission).

Conditions:
Leigh syndrome (NULS). Also called: Subacute necrotizing encephalopathy; Necrotizing encephalopathy infantile subacute of Leigh; Leigh's syndrome; Leigh Disease; LEIGH SYNDROME, NUCLEAR; Leigh's necrotizing encephalopathy. Identifiers: Orphanet 506, MedGen C2931891, MONDO:0009723, OMIM 256000.

Allele frequency attached by ClinVar (database versions not stated): gnomAD exomes below 0.00001 and 0.00001.
gnomAD v4.1: 1 of 470,850 alleles (0.00021%); highest among the groups gnomAD compares: South Asian, 0.0016%; no homozygotes.

Submission:

Baylor Genetics
Classification: Uncertain significance for Leigh syndrome. Last evaluated: 2018-02-08. Review status: criteria provided, single submitter. Criteria: ACMG Guidelines, 2015. Collection method: clinical testing. Allele origin: maternal. Affected: yes.
Comment: This variant was determined to be of uncertain significance according to ACMG Guidelines, 2015 [PMID:25741868].

NM_004544.4(NDUFA10):c.1000-12358G>A

Gene: NDUFA10 (NADH:ubiquinone oxidoreductase subunit A10; minus strand). Cytogenetic location: 2q37.3.
Variant type: single nucleotide variant.
Coding change: c.1000-12358G>A on transcript NM_004544.4 (MANE Select); 12358 bases into the intron before coding-DNA position 1000, G replaced by A.
Molecular consequence: intron variant. On other transcripts: missense variant (1).
Genome position (GRCh38, 1-based): chr2:239,973,544, C>T on the plus strand (G>A on the coding strand, the complement: NDUFA10 is on the minus strand). VCF-style: chr2-239973544-C-T. GRCh37 (hg19) VCF-style: chr2-240912961-C-T.
Other names: c.1117G>A, p.Asp373Asn (NM_001322019.2); c.891-12358G>A (NM_001322020.2); short protein forms D373N.
Identifiers: ClinVar variation 1032227 (VCV001032227.1), dbSNP rs1265529467, ClinGen allele CA351277913.
Genomic context (GRCh38, chr2:239,973,544, plus strand): 5'-AGTAAAAGAAACAAAAATAGCAGGCGAGAAAACAGAAGATTCTGTTGTCCTAGCAACTAT[C>T]TTGGACACGATCAGCTTCAAGGAGGGAACGATCAGCTTCAAGGAGGGAACGATCAGCTTC-3'